The following is an entry in ClinVar:

NM_170707.4(LMNA):c.273C>A (p.Thr91=)

Gene: LMNA (lamin A/C; plus strand). Cytogenetic location: 1q22.
Variant type: single nucleotide variant.
Coding change: c.273C>A on transcript NM_170707.4 (MANE Select); coding-DNA position 273, C replaced by A.
Protein change: p.Thr91=; no amino-acid change (threonine 91 retained).
Molecular consequence: synonymous variant. On other transcripts: 5 prime UTR variant (8), intron variant (2).
Genome position (GRCh38, 1-based): chr1:156,115,191, C>A. VCF-style: chr1-156115191-C-A. GRCh37 (hg19) VCF-style: chr1-156084982-C-A.
Other names: c.273C>A, p.Thr91= (NM_001282625.2, NM_001282626.2, NM_001406983.1 and 6 more transcripts); c.-151C>A (NM_001406986.1); c.-129C>A (NM_001406990.1, NM_001406995.1, NM_001407002.1); c.-392C>A (NM_001406994.1, NM_001407000.1); c.-572C>A (NM_001406999.1); c.-235C>A (NM_001407001.1); c.-203+8368C>A (NM_001406993.1, NM_001407003.1).
Identifiers: ClinVar variation 3069887 (VCV003069887.1), dbSNP rs1649734316, ClinGen allele CA421257836.

ClinVar aggregate classification (germline): Likely benign (1 of 4 stars; one submission).

Conditions:
Primary dilated cardiomyopathy (DCM). Also called: Dilated Cardiomyopathy. Identifiers: Orphanet 217604, MedGen C0007193, MeSH D002311, MONDO:0005021, HP:0001644. Inheritance: Various modes of inheritance.

Submission:

All of Us Research Program, National Institutes of Health
Classification: Likely benign for Primary dilated cardiomyopathy. Last evaluated: 2023-03-09. Review status: criteria provided, single submitter. Criteria: ACMG Guidelines, 2015. Collection method: clinical testing. Allele origin: germline. Inheritance: Autosomal dominant inheritance. Observed: 1 variant allele, 1 heterozygote.
Comment: This study involves interpretation of variants in research participants for the purpose of population health screening. Participant phenotype was not available at the time of variant classification. Additional details can be found in publication PMID: 35346344, PMCID: PMC8962531